The following is an entry in ClinVar:

ClinVar aggregate classification (germline): Uncertain significance (1 of 4 stars; one submission).

gnomAD v4.1: 15 of 1,613,942 alleles (0.00093%); highest among the groups gnomAD compares: Non-Finnish European, 0.0012%; no homozygotes.

Submission:

Ambry Genetics
Classification: Uncertain significance. Last evaluated: 2026-05-12. Review status: criteria provided, single submitter. Criteria: Ambry Variant Classification Scheme 2023. Collection method: clinical testing. Allele origin: germline.
Comment: The c.589A>G (p.T197A) alteration is located in exon 6 (coding exon 5) of the COL19A1 gene. This alteration results from a A to G substitution at nucleotide position 589, causing the threonine (T) at amino acid position 197 to be replaced by an alanine (A). Based on data from gnomAD, the G allele has an overall frequency of <0.001% (1/251180) total alleles studied. The highest observed frequency was <0.001% (/) of alleles. Based on insufficient or conflicting evidence, the clinical significance of this alteration remains unclear.

NM_001858.6(COL19A1):c.589A>G (p.Thr197Ala)

Gene: COL19A1 (collagen type XIX alpha 1 chain; plus strand). Cytogenetic location: 6q13.
Variant type: single nucleotide variant.
Coding change: c.589A>G on transcript NM_001858.6 (MANE Select); coding-DNA position 589, A replaced by G.
Protein change: p.Thr197Ala; replaces threonine 197 with alanine.
Molecular consequence: missense variant.
Genome position (GRCh38, 1-based): chr6:69,929,623, A>G. VCF-style: chr6-69929623-A-G. GRCh37 (hg19) VCF-style: chr6-70639515-A-G.
Other names: short protein forms T197A.
Identifiers: ClinVar variation 4869104 (VCV004869104.1).
Genomic context (GRCh38, chr6:69,929,623, plus strand): 5'-AGTATACAATCCCAGGTCATTTCACTTTATATGGATTGTAATTTAATTGCGAGGAGGCAG[A>G]CTGATGAAAAGGACACTGTGGATTTCCATGGACGGACAGTTATTGCTACGCGAGCTTCAG-3'
Protein context (NP_001849.2, residues 187-207): MDCNLIARRQ[Thr197Ala]DEKDTVDFHG